The following is an entry in ClinVar:

ClinVar aggregate classification (germline): Uncertain significance. Review status: criteria provided, multiple submitters, no conflicts (2 of 4 stars). 2 submissions from 2 submitters: Uncertain significance (2). Last evaluated 2026-03-19.

Conditions:
SPTA1-related disorder. Also called: SPTA1-related condition; SPTA1-related disorders.

gnomAD v4.1: 3 of 1,613,310 alleles (0.00019%); highest among the groups gnomAD compares: East Asian, 0.0067%; no homozygotes.

Submissions (2):

PreventionGenetics, part of Exact Sciences
Classification: Uncertain significance for SPTA1-related condition. Last evaluated: 2026-03-19. Review status: criteria provided, single submitter. Criteria: ACMG Guidelines, 2015. Collection method: clinical testing. Allele origin: germline.
Comment: The SPTA1 c.952G>A variant is predicted to result in the amino acid substitution p.Asp318Asn. To our knowledge, this variant has not been reported in the literature. This variant is reported in 0.0056% of alleles in individuals of East Asian descent in gnomAD. At this time, the clinical significance of this variant is uncertain due to the absence of conclusive functional and genetic evidence.

Labcorp Genetics (formerly Invitae), Labcorp
Classification: Uncertain significance. Last evaluated: 2026-01-02. Review status: criteria provided, single submitter. Criteria: Invitae Variant Classification Sherloc (09022015). Collection method: clinical testing. Allele origin: germline.
Comment: This sequence change replaces aspartic acid, which is acidic and polar, with asparagine, which is neutral and polar, at codon 318 of the SPTA1 protein (p.Asp318Asn). The frequency data for this variant in the population databases is considered unreliable, as metrics indicate poor data quality at this position in the gnomAD database. This variant has not been reported in the literature in individuals affected with SPTA1-related conditions. Invitae Evidence Modeling of protein sequence and biophysical properties (such as structural, functional, and spatial information, amino acid conservation, physicochemical variation, residue mobility, and thermodynamic stability) indicates that this missense variant is not expected to disrupt SPTA1 protein function with a negative predictive value of 80%. In summary, the available evidence is currently insufficient to determine the role of this variant in disease. Therefore, it has been classified as a Variant of Uncertain Significance.

NM_003126.4(SPTA1):c.952G>A (p.Asp318Asn)

Gene: SPTA1 (spectrin alpha, erythrocytic 1; minus strand). Cytogenetic location: 1q23.1.
Variant type: single nucleotide variant.
Coding change: c.952G>A on transcript NM_003126.4 (MANE Select); coding-DNA position 952, G replaced by A.
Protein change: p.Asp318Asn; replaces aspartic acid 318 with asparagine.
Molecular consequence: missense variant.
Genome position (GRCh38, 1-based): chr1:158,677,695, C>T on the plus strand (G>A on the coding strand, the complement: SPTA1 is on the minus strand). VCF-style: chr1-158677695-C-T. GRCh37 (hg19) VCF-style: chr1-158647485-C-T.
Other names: c.952G>A (NM_003126.2); short protein forms D318N.
Identifiers: ClinVar variation 4764918 (VCV004764918.2).
Genomic context (GRCh38, chr1:158,677,695, plus strand): 5'-CAACAATTGCCTCTTCTAGCTCAACGGGTTAGCCATTTCTCTAACAGCGCATTACCTTGT[C>T]ACTCATGACAGCAAGATTTCTCTCAAGTCCCTTGTGACTGTGAAACAGTCCTTCAGAGGC-3'
Protein context (NP_003117.2, residues 308-328): GLERNLAVMS[Asp318Asn]KVKELCAKAE